The following is an entry in ClinVar:

NM_025077.4(TOE1):c.1104G>C (p.Lys368Asn)

Gene: TOE1 (target of EGR1, exonuclease; plus strand). Cytogenetic location: 1p34.1.
Variant type: single nucleotide variant.
Coding change: c.1104G>C on transcript NM_025077.4 (MANE Select); coding-DNA position 1104, G replaced by C.
Protein change: p.Lys368Asn; replaces lysine 368 with asparagine.
Molecular consequence: missense variant.
Genome position (GRCh38, 1-based): chr1:45,343,273, G>C. VCF-style: chr1-45343273-G-C. GRCh37 (hg19) VCF-style: chr1-45808945-G-C.
Other names: short protein forms K368N.
Identifiers: ClinVar variation 1423682 (VCV001423682.8), dbSNP rs897395395, ClinGen allele CA21852607.

ClinVar aggregate classification (germline): Uncertain significance (1 of 4 stars; one submission).

Allele frequency attached by ClinVar (database versions not stated): gnomAD 0.00003.

Submission:

Labcorp Genetics (formerly Invitae), Labcorp
Classification: Uncertain significance. Last evaluated: 2024-02-17. Review status: criteria provided, single submitter. Criteria: Invitae Variant Classification Sherloc (09022015). Collection method: clinical testing. Allele origin: germline.
Comment: This sequence change replaces lysine, which is basic and polar, with asparagine, which is neutral and polar, at codon 368 of the TOE1 protein (p.Lys368Asn). This variant is present in population databases (no rsID available, gnomAD 0.007%). This variant has not been reported in the literature in individuals affected with TOE1-related conditions. ClinVar contains an entry for this variant (Variation ID: 1423682). Advanced modeling of protein sequence and biophysical properties (such as structural, functional, and spatial information, amino acid conservation, physicochemical variation, residue mobility, and thermodynamic stability) performed at Invitae indicates that this missense variant is not expected to disrupt TOE1 protein function with a negative predictive value of 80%. In summary, the available evidence is currently insufficient to determine the role of this variant in disease. Therefore, it has been classified as a Variant of Uncertain Significance.